The following is an entry in ClinVar:

NM_003054.6(SLC18A2):c.310C>G (p.Gln104Glu)

Gene: SLC18A2 (solute carrier family 18 member A2; plus strand). Cytogenetic location: 10q25.3.
Variant type: single nucleotide variant.
Coding change: c.310C>G on transcript NM_003054.6 (MANE Select); coding-DNA position 310, C replaced by G.
Protein change: p.Gln104Glu; replaces glutamine 104 with glutamic acid.
Molecular consequence: missense variant.
Genome position (GRCh38, 1-based): chr10:117,244,159, C>G. VCF-style: chr10-117244159-C-G. GRCh37 (hg19) VCF-style: chr10-119003670-C-G.
Other names: short protein forms Q104E.
Identifiers: ClinVar variation 2108336 (VCV002108336.4), dbSNP rs951828414, ClinGen allele CA214675826.

ClinVar aggregate classification (germline): Uncertain significance (1 of 4 stars; one submission).

Submission:

Labcorp Genetics (formerly Invitae), Labcorp
Classification: Uncertain significance. Last evaluated: 2022-09-06. Review status: criteria provided, single submitter. Criteria: Invitae Variant Classification Sherloc (09022015). Collection method: clinical testing. Allele origin: germline.
Comment: This sequence change replaces glutamine, which is neutral and polar, with glutamic acid, which is acidic and polar, at codon 104 of the SLC18A2 protein (p.Gln104Glu). In summary, the available evidence is currently insufficient to determine the role of this variant in disease. Therefore, it has been classified as a Variant of Uncertain Significance. Algorithms developed to predict the effect of missense changes on protein structure and function output the following: SIFT: "Tolerated"; PolyPhen-2: "Benign"; Align-GVGD: "Class C0". The glutamic acid amino acid residue is found in multiple mammalian species, which suggests that this missense change does not adversely affect protein function. This variant has not been reported in the literature in individuals affected with SLC18A2-related conditions. This variant is not present in population databases (gnomAD no frequency).